The following is an entry in ClinVar:

NM_014874.4(MFN2):c.1382T>C (p.Val461Ala)

Gene: MFN2 (mitofusin 2; plus strand). Cytogenetic location: 1p36.22.
Variant type: single nucleotide variant.
Coding change: c.1382T>C on transcript NM_014874.4 (MANE Select); coding-DNA position 1382, T replaced by C.
Protein change: p.Val461Ala; replaces valine 461 with alanine.
Molecular consequence: missense variant.
Genome position (GRCh38, 1-based): chr1:12,004,603, T>C. VCF-style: chr1-12004603-T-C. GRCh37 (hg19) VCF-style: chr1-12064660-T-C.
Other names: c.1382T>C, p.Val461Ala (NM_001127660.2); short protein forms V461A.
Identifiers: ClinVar variation 4709695 (VCV004709695.2).

ClinVar aggregate classification (germline): Uncertain significance. Review status: criteria provided, multiple submitters, no conflicts (2 of 4 stars). 2 submissions from 2 submitters: Uncertain significance (2). Last evaluated 2025-04-13.

Conditions:
Charcot-Marie-Tooth disease type 2. Also called: Charcot-Marie-Tooth type 2. Identifiers: Orphanet 64746, MedGen C0270914, MONDO:0018993.

gnomAD v4.1: 2 of 1,613,670 alleles (0.00012%); highest among the groups gnomAD compares: African/African-American, 0.0013%; no homozygotes.

Submissions (2):

Labcorp Genetics (formerly Invitae), Labcorp
Classification: Uncertain significance for Charcot-Marie-Tooth disease type 2. Last evaluated: 2025-04-13. Review status: criteria provided, single submitter. Criteria: Invitae Variant Classification Sherloc (09022015). Collection method: clinical testing. Allele origin: germline.
Comment: This sequence change replaces valine, which is neutral and non-polar, with alanine, which is neutral and non-polar, at codon 461 of the MFN2 protein (p.Val461Ala). This variant is not present in population databases (gnomAD no frequency). This variant has not been reported in the literature in individuals affected with MFN2-related conditions. Invitae Evidence Modeling of protein sequence and biophysical properties (such as structural, functional, and spatial information, amino acid conservation, physicochemical variation, residue mobility, and thermodynamic stability) indicates that this missense variant is not expected to disrupt MFN2 protein function with a negative predictive value of 80%. In summary, the available evidence is currently insufficient to determine the role of this variant in disease. Therefore, it has been classified as a Variant of Uncertain Significance.

Blueprint Genetics
Classification: Uncertain significance. Last evaluated: 2023-07-13. Review status: criteria provided, single submitter. Criteria: ACMG Guidelines, 2015. Collection method: clinical testing. Allele origin: germline.